The following is an entry in ClinVar:

ClinVar aggregate classification (germline): Uncertain significance (1 of 4 stars; one submission).

Conditions:
DNAH9-related disorder. Also called: DNAH9-related condition.

gnomAD v4.1: 175 of 1,613,960 alleles (0.011%); highest among the groups gnomAD compares: Non-Finnish European, 0.014%; no homozygotes.

Submission:

PreventionGenetics, part of Exact Sciences
Classification: Uncertain significance for DNAH9-related condition. Last evaluated: 2025-11-07. Review status: criteria provided, single submitter. Criteria: ACMG Guidelines, 2015. Collection method: clinical testing. Allele origin: germline.
Comment: The DNAH9 c.11632T>A variant is predicted to result in the amino acid substitution p.Tyr3878Asn. To our knowledge, this variant has not been reported in the literature. This variant is reported in 0.0070% of alleles in individuals of European (Non-Finnish) descent in gnomAD. At this time, the clinical significance of this variant is uncertain due to the absence of conclusive functional and genetic evidence.

NM_001372.4(DNAH9):c.11632T>A (p.Tyr3878Asn)

Gene: DNAH9 (dynein axonemal heavy chain 9; plus strand). Cytogenetic location: 17p12.
Variant type: single nucleotide variant.
Coding change: c.11632T>A on transcript NM_001372.4 (MANE Select); coding-DNA position 11632, T replaced by A.
Protein change: p.Tyr3878Asn; replaces tyrosine 3878 with asparagine.
Molecular consequence: missense variant.
Genome position (GRCh38, 1-based): chr17:11,905,692, T>A. VCF-style: chr17-11905692-T-A. GRCh37 (hg19) VCF-style: chr17-11809009-T-A.
Other names: c.568T>A, p.Tyr190Asn (NM_004662.2); short protein forms Y190N, Y3878N.
Identifiers: ClinVar variation 4979419 (VCV004979419.1).